The following is an entry in ClinVar:

NM_017547.4(FOXRED1):c.86-1G>A

Gene: FOXRED1 (FAD dependent oxidoreductase domain containing 1; plus strand). Cytogenetic location: 11q24.2.
Variant type: single nucleotide variant.
Coding change: c.86-1G>A on transcript NM_017547.4 (MANE Select); the canonical splice acceptor site of the intron before coding-DNA position 86, G replaced by A.
Molecular consequence: splice acceptor variant.
Genome position (GRCh38, 1-based): chr11:126,271,436, G>A. VCF-style: chr11-126271436-G-A. GRCh37 (hg19) VCF-style: chr11-126141331-G-A.
Identifiers: ClinVar variation 214454 (VCV000214454.9), dbSNP rs768720209, ClinGen allele CA320799.

ClinVar aggregate classification (germline): Pathogenic/Likely pathogenic. Review status: criteria provided, multiple submitters, no conflicts (2 of 4 stars). 4 submissions from 4 submitters: Pathogenic (1); Likely pathogenic (3). Last evaluated 2025-09-08.

Conditions:
Mitochondrial complex I deficiency, nuclear type 19. Also called: Mitochondrial complex 1 deficiency, nuclear type 19. Identifiers: MedGen C4748791, MONDO:0032624, OMIM 618241.
Leigh syndrome (NULS). Also called: Leigh's syndrome; Leigh Disease; LEIGH SYNDROME, NUCLEAR; Leigh's necrotizing encephalopathy; Leigh's disease; Subacute necrotizing encephalopathy. Identifiers: Orphanet 506, MedGen C2931891, MONDO:0009723, OMIM 256000.

Allele frequency attached by ClinVar (database versions not stated): ExAC 0.00001; gnomAD 0.00001; gnomAD exomes 0.00001; TOPMed 0.00001.
gnomAD v4.1: 36 of 1,607,844 alleles (0.0022%); highest among the groups gnomAD compares: Non-Finnish European, 0.003%; no homozygotes.

Submissions (4):

Women's Health and Genetics/Laboratory Corporation of America, LabCorp
Classification: Likely pathogenic for Leigh syndrome. Last evaluated: 2025-09-08. Review status: criteria provided, single submitter. Criteria: LabCorp Variant Classification Summary - May 2015. Collection method: clinical testing. Allele origin: germline.
Comment: Variant summary: FOXRED1 c.86-1G>A is located in a canonical splice-site and is predicted to affect mRNA splicing resulting in a significantly altered protein due to either exon skipping, shortening, or inclusion of intronic material. Variants that disrupt the consensus splice site are a relatively common cause of aberrant splicing and loss of FOXRED1 function. The variant allele was found at a frequency of 1.2e-05 in 251398 control chromosomes. c.86-1G>A has been observed as compound heterozygous in at least one individual affected with a FOXRED1-related disorder (Lunke_2020). To our knowledge, no experimental evidence demonstrating an impact on protein function has been reported. The following publication has been ascertained in the context of this evaluation (PMID: 32573669). ClinVar contains an entry for this variant (Variation ID: 214454). Based on the evidence outlined above, the variant was classified as likely pathogenic.

Labcorp Genetics (formerly Invitae), Labcorp
Classification: Likely pathogenic. Last evaluated: 2023-12-29. Review status: criteria provided, single submitter. Criteria: Invitae Variant Classification Sherloc (09022015). Collection method: clinical testing. Allele origin: germline.
Comment: This sequence change affects an acceptor splice site in intron 1 of the FOXRED1 gene. It is expected to disrupt RNA splicing. Variants that disrupt the donor or acceptor splice site typically lead to a loss of protein function (PMID: 16199547), and loss-of-function variants in FOXRED1 are known to be pathogenic (PMID: 20818383, 20858599). This variant is present in population databases (rs768720209, gnomAD 0.004%). Disruption of this splice site has been observed in individual(s) with FOXRED1-related conditions (PMID: 32573669). ClinVar contains an entry for this variant (Variation ID: 214454). Algorithms developed to predict the effect of sequence changes on RNA splicing suggest that this variant may disrupt the consensus splice site. In summary, the currently available evidence indicates that the variant is pathogenic, but additional data are needed to prove that conclusively. Therefore, this variant has been classified as Likely Pathogenic.

Victorian Clinical Genetics Services, Murdoch Childrens Research Institute
Classification: Likely pathogenic for Mitochondrial complex I deficiency, nuclear type 19. Last evaluated: 2019-01-14. Review status: criteria provided, single submitter. Criteria: ACMG Guidelines, 2015. Collection method: clinical testing. Allele origin: paternal. Affected: yes. Observed: 2 variant alleles.
Comment: A heterozygous canonical splice site variant, NM_017547.3(FOXRED1):c.86-1G>A, has been identified in intron 1 of 10 within the FOXRED1 gene. The nucleotide at this position has high conservation (Phylop UCSC). This nucleotide substitution is predicted to cause aberrant splicing of the FOXRED1 gene and may result in loss of protein function; further testing via RNA studies are required to confirm if splicing is altered. The variant is present in the gnomAD database at a frequency of 0.002% (5 heterozygotes, 0 homozygotes) and has been previously described as pathogenic (ClinVar). Based on the information available at the time of curation, this variant has been classified as LIKELY PATHOGENIC.

GeneDx
Classification: Pathogenic. Last evaluated: 2014-04-14. Review status: criteria provided, single submitter. Criteria: GeneDx Variant Classification (06012015). Collection method: clinical testing. Allele origin: germline. Affected: yes.
Comment: c.86-1 G>A: IVS1-1 G>A in intron 1 of the FOXRED1 gene (NM_017547.3). The c.86-1 G>A splice site mutation in the FOXRED1 gene destroys the canonical splice acceptor site in intron 1. It is predicted to cause abnormal gene splicing, either leading to an abnormal message that is subject to nonsense-mediated mRNA decay, or to an abnormal protein product if the message is used for protein translation. Although this mutation has not been previously reported to our knowledge, it is expected to be a pathogenic mutation. The variant is found in MITONUC-MITOP panel(s).

Literature cited by the submitters: PubMed 32573669 (cited by Women's Health and Genetics/Laboratory Corporation of America, LabCorp and Labcorp Genetics (formerly Invitae), Labcorp); PubMed 16199547 (cited by Labcorp Genetics (formerly Invitae), Labcorp); PubMed 20818383 (cited by Labcorp Genetics (formerly Invitae), Labcorp); PubMed 20858599 (cited by Labcorp Genetics (formerly Invitae), Labcorp).